The following is an entry in ClinVar:

ClinVar aggregate classification (germline): Uncertain significance. Review status: criteria provided, multiple submitters, no conflicts (2 of 4 stars). 2 submissions from 2 submitters: Uncertain significance (2). Last evaluated 2025-05-05.

Conditions:
Hereditary cancer-predisposing syndrome. Also called: Tumor predisposition; Neoplastic Syndromes, Hereditary; Hereditary neoplastic syndrome; Hereditary Cancer Syndrome. Identifiers: Orphanet 140162, MedGen C0027672, MeSH D009386, MONDO:0015356.
EGFR-related lung cancer (EGFR). Identifiers: MedGen CN130014.

Submissions (2):

Ambry Genetics
Classification: Uncertain significance for Hereditary cancer-predisposing syndrome. Last evaluated: 2025-05-05. Review status: criteria provided, single submitter. Criteria: Ambry Variant Classification Scheme 2023. Collection method: clinical testing. Allele origin: germline.
Comment: The p.T130A variant (also known as c.388A>G), located in coding exon 3 of the EGFR gene, results from an A to G substitution at nucleotide position 388. The threonine at codon 130 is replaced by alanine, an amino acid with similar properties. This amino acid position is conserved. In addition, this alteration is predicted to be tolerated by in silico analysis. Based on the available evidence, the clinical significance of this variant remains unclear.

Labcorp Genetics (formerly Invitae), Labcorp
Classification: Uncertain significance for EGFR-related lung cancer. Last evaluated: 2021-10-23. Review status: criteria provided, single submitter. Criteria: Invitae Variant Classification Sherloc (09022015). Collection method: clinical testing. Allele origin: germline.
Comment: In summary, the available evidence is currently insufficient to determine the role of this variant in disease. Therefore, it has been classified as a Variant of Uncertain Significance. Algorithms developed to predict the effect of missense changes on protein structure and function (SIFT, PolyPhen-2, Align-GVGD) all suggest that this variant is likely to be tolerated. This variant has not been reported in the literature in individuals affected with EGFR-related conditions. This variant is not present in population databases (ExAC no frequency). This sequence change replaces threonine with alanine at codon 130 of the EGFR protein (p.Thr130Ala). The threonine residue is moderately conserved and there is a small physicochemical difference between threonine and alanine.

NM_005228.5(EGFR):c.388A>G (p.Thr130Ala)

Gene: EGFR (epidermal growth factor receptor; plus strand). Cytogenetic location: 7p11.2.
Variant type: single nucleotide variant.
Coding change: c.388A>G on transcript NM_005228.5 (MANE Select); coding-DNA position 388, A replaced by G.
Protein change: p.Thr130Ala; replaces threonine 130 with alanine.
Molecular consequence: missense variant. On other transcripts: intron variant (1).
Genome position (GRCh38, 1-based): chr7:55,143,452, A>G. VCF-style: chr7-55143452-A-G. GRCh37 (hg19) VCF-style: chr7-55211145-A-G.
Other names: c.388A>G, p.Thr130Ala (NM_001346897.2, NM_001346898.2, NM_001346899.2 and 3 more transcripts); c.229A>G, p.Thr77Ala (NM_001346900.2); c.89-12378A>G (NM_001346941.2); c.388A>G (NM_005228.3); short protein forms T130A, T77A.
Identifiers: ClinVar variation 1018440 (VCV001018440.7), dbSNP rs1794582450, ClinGen allele CA367575941.